The following is an entry in ClinVar:

NM_005228.5(EGFR):c.1997T>C (p.Leu666Pro)

Gene: EGFR (epidermal growth factor receptor; plus strand). Cytogenetic location: 7p11.2.
Variant type: single nucleotide variant.
Coding change: c.1997T>C on transcript NM_005228.5 (MANE Select); coding-DNA position 1997, T replaced by C.
Protein change: p.Leu666Pro; replaces leucine 666 with proline.
Molecular consequence: missense variant.
Genome position (GRCh38, 1-based): chr7:55,173,060, T>C. VCF-style: chr7-55173060-T-C. GRCh37 (hg19) VCF-style: chr7-55240753-T-C.
Other names: c.1862T>C, p.Leu621Pro (NM_001346897.2, NM_001346899.2); c.1997T>C, p.Leu666Pro (NM_001346898.2); c.1838T>C, p.Leu613Pro (NM_001346900.2); c.1196T>C, p.Leu399Pro (NM_001346941.2); short protein forms L621P, L666P, L399P, L613P.
Identifiers: ClinVar variation 2848730 (VCV002848730.3), dbSNP rs2128952548, ClinGen allele CA367583095.

ClinVar aggregate classification (germline): Uncertain significance (1 of 4 stars; one submission).

Conditions:
EGFR-related lung cancer (EGFR). Identifiers: MedGen CN130014.

Submission:

Labcorp Genetics (formerly Invitae), Labcorp
Classification: Uncertain significance for EGFR-related lung cancer. Last evaluated: 2023-03-23. Review status: criteria provided, single submitter. Criteria: Invitae Variant Classification Sherloc (09022015). Collection method: clinical testing. Allele origin: germline.
Comment: This sequence change replaces leucine, which is neutral and non-polar, with proline, which is neutral and non-polar, at codon 666 of the EGFR protein (p.Leu666Pro). This variant is not present in population databases (gnomAD no frequency). This variant has not been reported in the literature in individuals affected with EGFR-related conditions. Advanced modeling of protein sequence and biophysical properties (such as structural, functional, and spatial information, amino acid conservation, physicochemical variation, residue mobility, and thermodynamic stability) has been performed at Invitae for this missense variant, however the output from this modeling did not meet the statistical confidence thresholds required to predict the impact of this variant on EGFR protein function. In summary, the available evidence is currently insufficient to determine the role of this variant in disease. Therefore, it has been classified as a Variant of Uncertain Significance.